The following is an entry in ClinVar:

ClinVar aggregate classification (germline): Benign/Likely benign. Review status: criteria provided, multiple submitters, no conflicts (2 of 4 stars). 3 submissions from 3 submitters: Benign (1); Likely benign (2). Last evaluated 2025-06-22.

Conditions:
Hereditary cancer-predisposing syndrome. Also called: Tumor predisposition; Hereditary neoplastic syndrome; Neoplastic Syndromes, Hereditary; Hereditary Cancer Syndrome. Identifiers: Orphanet 140162, MedGen C0027672, MeSH D009386, MONDO:0015356.
EGFR-related lung cancer (EGFR). Identifiers: MedGen CN130014.
Lung cancer. Also called: Lung cancer, somatic; Malignant tumor of lung. Identifiers: MedGen C0242379, MONDO:0008903, OMIM 211980.

Submissions (3):

Labcorp Genetics (formerly Invitae), Labcorp
Classification: Likely benign for EGFR-related lung cancer. Last evaluated: 2025-06-22. Review status: criteria provided, single submitter. Criteria: Invitae Variant Classification Sherloc (09022015). Collection method: clinical testing. Allele origin: germline.

Ambry Genetics
Classification: Likely benign for Hereditary cancer-predisposing syndrome. Last evaluated: 2024-11-26. Review status: criteria provided, single submitter. Criteria: Ambry Variant Classification Scheme 2023. Collection method: clinical testing. Allele origin: germline.

Myriad Genetics, Inc.
Classification: Benign for Lung cancer. Last evaluated: 2024-10-16. Review status: criteria provided, single submitter. Criteria: Myriad Autosomal Dominant, Autosomal Recessive and X-Linked Classification Criteria (2023). Collection method: clinical testing. Allele origin: unknown.
Comment: This variant is considered benign. This variant is a silent/synonymous amino acid change and it is not expected to impact splicing.

NM_005228.5(EGFR):c.2247A>G (p.Glu749=)

Gene: EGFR (epidermal growth factor receptor; plus strand). Cytogenetic location: 7p11.2.
Variant type: single nucleotide variant.
Coding change: c.2247A>G on transcript NM_005228.5 (MANE Select); coding-DNA position 2247, A replaced by G.
Protein change: p.Glu749=; no amino-acid change (glutamic acid 749 retained).
Molecular consequence: synonymous variant.
Genome position (GRCh38, 1-based): chr7:55,174,784, A>G. VCF-style: chr7-55174784-A-G. GRCh37 (hg19) VCF-style: chr7-55242477-A-G.
Other names: c.1446A>G, p.Glu482= (NM_001346941.2); c.2112A>G, p.Glu704= (NM_001346897.2, NM_001346899.2); c.2247A>G, p.Glu749= (NM_001346898.2); c.2088A>G, p.Glu696= (NM_001346900.2); c.2247A>G (NM_005228.3).
Identifiers: ClinVar variation 1078424 (VCV001078424.12), dbSNP rs1786523816, ClinGen allele CA454979532.
Genomic context (GRCh38, chr7:55,174,784, plus strand): 5'-ACTCTGGATCCCAGAAGGTGAGAAAGTTAAAATTCCCGTCGCTATCAAGGAATTAAGAGA[A>G]GCAACATCTCCGAAAGCCAACAAGGAAATCCTCGATGTGAGTTTCTGCTTTGCTGTGTGG-3'
Protein context (NP_005219.2, residues 739-759): KIPVAIKELR[Glu749=]ATSPKANKEI